The following is an entry in ClinVar:

NM_000271.5(NPC1):c.3754+3A>C

Gene: NPC1 (NPC intracellular cholesterol transporter 1; minus strand). Cytogenetic location: 18q11.2.
Variant type: single nucleotide variant.
Coding change: c.3754+3A>C on transcript NM_000271.5 (MANE Select); 3 bases into the intron after coding-DNA position 3754, A replaced by C.
Molecular consequence: intron variant.
Genome position (GRCh38, 1-based): chr18:23,533,352, T>G on the plus strand (A>C on the coding strand, the complement: NPC1 is on the minus strand). VCF-style: chr18-23533352-T-G. GRCh37 (hg19) VCF-style: chr18-21113316-T-G.
Identifiers: ClinVar variation 555325 (VCV000555325.8), dbSNP rs1208252513, ClinGen allele CA628677320.

ClinVar aggregate classification (germline): Conflicting classifications of pathogenicity. Review status: criteria provided, conflicting classifications (1 of 4 stars). 4 submissions from 4 submitters: Likely pathogenic (1); Uncertain significance (2). 1 of the submissions does not count toward it. Last evaluated 2025-11-24.

Conditions:
Inborn genetic diseases. Identifiers: MedGen C0950123, MeSH D030342.
Niemann-Pick disease, type C1. Also called: NIEMANN-PICK DISEASE, VARIANT TYPE C1; NEUROVISCERAL STORAGE DISEASE WITH VERTICAL SUPRANUCLEAR OPHTHALMOPLEGIA; NIEMANN-PICK DISEASE WITH CHOLESTEROL ESTERIFICATION BLOCK; NIEMANN-PICK DISEASE WITHOUT SPHINGOMYELINASE DEFICIENCY; NIEMANN-PICK DISEASE, CHRONIC NEURONOPATHIC FORM. Identifiers: Orphanet 646, MedGen C3179455, MONDO:0009757, OMIM 257220.

Allele frequency attached by ClinVar (database versions not stated): gnomAD exomes below 0.00001; TOPMed below 0.00001.
gnomAD v4.1: 2 of 1,613,852 alleles (0.00012%); highest among the groups gnomAD compares: Admixed American, 0.0033%; no homozygotes.

Submissions (4):

Labcorp Genetics (formerly Invitae), Labcorp
Classification: Likely pathogenic for Niemann-Pick disease, type C1. Last evaluated: 2025-11-24. Review status: criteria provided, single submitter. Criteria: Invitae Variant Classification Sherloc (09022015). Collection method: clinical testing. Allele origin: germline.
Comment: This sequence change falls in intron 24 of the NPC1 gene. It does not directly change the encoded amino acid sequence of the NPC1 protein. It affects a nucleotide within the consensus splice site. This variant is present in population databases (no rsID available, gnomAD 0.003%). This variant has been observed in individual(s) with clinical features of Niemann-Pick disease type C (PMID: 26981555; internal data). In at least one individual the data is consistent with being in trans (on the opposite chromosome) from a pathogenic variant. ClinVar contains an entry for this variant (Variation ID: 555325). Variants that disrupt the consensus splice site are a relatively common cause of aberrant splicing (PMID: 17576681, 9536098). Algorithms developed to predict the effect of sequence changes on RNA splicing suggest that this variant may disrupt the consensus splice site. In summary, the currently available evidence indicates that the variant is pathogenic, but additional data are needed to prove that conclusively. Therefore, this variant has been classified as Likely Pathogenic.

Ambry Genetics
Classification: Uncertain significance for Inborn genetic diseases. Last evaluated: 2021-12-23. Review status: criteria provided, single submitter. Criteria: Ambry Variant Classification Scheme 2023. Collection method: clinical testing. Allele origin: germline.
Comment: The c.3754+3A>C intronic alteration consists of a A to C substitution nucleotides after coding exon 24 in the NPC1 gene. Based on insufficient or conflicting evidence, the clinical significance of this alteration remains unclear.

Neuberg Centre For Genomic Medicine, NCGM
Classification: Uncertain significance for Niemann-Pick disease, type C1. Review status: criteria provided, single submitter. Criteria: ACMG Guidelines, 2015. Collection method: clinical testing. Allele origin: germline. Inheritance: Autosomal recessive inheritance. Affected: yes.
Comment: The splice site c.3754+3A>C variant has not been reported previously as a pathogenic variant nor as a benign variant, to our knowledge. The variant has allele frequency 0.0004% in gnomAD exomes and novel (not in any individuals) in 1000 Genomes. This variant has been reported to the ClinVar database as Uncertain Significance. For these reasons, this variant has been classified as Uncertain Significance (VUS).

Counsyl
Classification: Uncertain significance for Niemann-Pick disease, type C1. Last evaluated: 2017-11-28. Review status: no assertion criteria provided. Collection method: clinical testing. Allele origin: unknown. Not counted in ClinVar's aggregate classification.

Literature cited by the submitters: PubMed 26981555 (cited by 3 submitters); PubMed 17576681 (cited by Labcorp Genetics (formerly Invitae), Labcorp); PubMed 9536098 (cited by Labcorp Genetics (formerly Invitae), Labcorp).